The following is an entry in ClinVar:

NM_058216.3(RAD51C):c.954C>T (p.Asp318=)

Gene: RAD51C (RAD51 paralog C; plus strand). Cytogenetic location: 17q22.
Variant type: single nucleotide variant.
Coding change: c.954C>T on transcript NM_058216.3 (MANE Select); coding-DNA position 954, C replaced by T.
Protein change: p.Asp318=; no amino-acid change (aspartic acid 318 retained).
Molecular consequence: synonymous variant. On other transcripts: non-coding transcript variant (1).
Genome position (GRCh38, 1-based): chr17:58,724,089, C>T. VCF-style: chr17-58724089-C-T. GRCh37 (hg19) VCF-style: chr17-56801450-C-T.
Identifiers: ClinVar variation 230635 (VCV000230635.11), dbSNP rs876658677, ClinGen allele CA10580762.

ClinVar aggregate classification (germline): Benign/Likely benign. Review status: criteria provided, multiple submitters, no conflicts (2 of 4 stars). 4 submissions from 4 submitters: Benign (1); Likely benign (3). Last evaluated 2026-04-01.

Conditions:
Hereditary cancer-predisposing syndrome. Also called: Neoplastic Syndromes, Hereditary; Hereditary Cancer Syndrome; Tumor predisposition; Hereditary neoplastic syndrome. Identifiers: Orphanet 140162, MedGen C0027672, MeSH D009386, MONDO:0015356.
Breast-ovarian cancer, familial, susceptibility to, 3. Also called: RAD51C-Related Breast/Ovarian Cancer. Identifiers: Orphanet 145, MedGen C3150659, MONDO:0013253, OMIM 613399.
Fanconi anemia complementation group O. Also called: RAD51C-Related Fanconi Anemia. Identifiers: Orphanet 84, MedGen C3150653, MONDO:0013248, OMIM 613390.

Submissions (4):

CeGaT Center for Human Genetics Tuebingen
Classification: Likely benign. Last evaluated: 2026-04-01. Review status: criteria provided, single submitter. Criteria: CeGaT Center For Human Genetics Tuebingen Variant Classification Criteria Version 2. Collection method: clinical testing. Allele origin: germline. Affected: yes. Observed: 1 variant allele.
Comment: RAD51C: PM2:Supporting, BP4, BP7

Labcorp Genetics (formerly Invitae), Labcorp
Classification: Likely benign for Fanconi anemia complementation group O. Last evaluated: 2025-10-01. Review status: criteria provided, single submitter. Criteria: Invitae Variant Classification Sherloc (09022015). Collection method: clinical testing. Allele origin: germline.

Myriad Genetics, Inc.
Classification: Benign for Breast-ovarian cancer, familial, susceptibility to, 3. Last evaluated: 2025-02-19. Review status: criteria provided, single submitter. Criteria: Myriad Autosomal Dominant, Autosomal Recessive and X-Linked Classification Criteria (2023). Collection method: clinical testing. Allele origin: unknown.
Comment: This variant is considered benign. This variant is a silent/synonymous amino acid change and it is not expected to impact splicing.

Ambry Genetics
Classification: Likely benign for Hereditary cancer-predisposing syndrome. Last evaluated: 2015-02-19. Review status: criteria provided, single submitter. Criteria: Ambry Variant Classification Scheme 2023. Collection method: clinical testing. Allele origin: germline.